The following is an entry in ClinVar:

NM_001844.5(COL2A1):c.3111+2T>A

Gene: COL2A1 (collagen type II alpha 1 chain; minus strand). Cytogenetic location: 12q13.11.
Variant type: single nucleotide variant.
Coding change: c.3111+2T>A on transcript NM_001844.5 (MANE Select); the canonical splice donor site of the intron after coding-DNA position 3111, T replaced by A.
Molecular consequence: splice donor variant.
Genome position (GRCh38, 1-based): chr12:47,978,008, A>T on the plus strand (T>A on the coding strand, the complement: COL2A1 is on the minus strand). VCF-style: chr12-47978008-A-T. GRCh37 (hg19) VCF-style: chr12-48371791-A-T.
Other names: c.2904+2T>A (NM_033150.3).
Identifiers: ClinVar variation 2020948 (VCV002020948.4), dbSNP rs1938818395, ClinGen allele CA384540606.

ClinVar aggregate classification (germline): Likely pathogenic (1 of 4 stars; one submission).

Submission:

Labcorp Genetics (formerly Invitae), Labcorp
Classification: Likely pathogenic. Last evaluated: 2022-10-13. Review status: criteria provided, single submitter. Criteria: Invitae Variant Classification Sherloc (09022015). Collection method: clinical testing. Allele origin: germline.
Comment: This variant is not present in population databases (gnomAD no frequency). In summary, the currently available evidence indicates that the variant is pathogenic, but additional data are needed to prove that conclusively. Therefore, this variant has been classified as Likely Pathogenic. Studies have shown that disruption of this splice site is associated with altered splicing resulting in multiple RNA products (PMID: 32896647). Disruption of this splice site has been observed in individual(s) with autosomal recessive spondyloepiphyseal dysplasia and/or Stickler syndrome (PMID: 20179744, 32896647; Invitae). It has also been observed to segregate with disease in related individuals. This sequence change affects a donor splice site in intron 44 of the COL2A1 gene. It is expected to disrupt RNA splicing. Variants that disrupt the donor or acceptor splice site typically lead to a loss of protein function (PMID: 16199547), and loss-of-function variants in COL2A1 are known to be pathogenic (PMID: 20179744).

Literature cited by the submitters: PubMed 32896647; PubMed 20179744; PubMed 16199547.